The following is an entry in ClinVar:

ClinVar aggregate classification (germline): Pathogenic. Review status: criteria provided, multiple submitters, no conflicts (2 of 4 stars). 3 submissions from 3 submitters: Pathogenic (2). 1 of the submissions does not count toward it. Last evaluated 2024-12-16.

Conditions:
Holoprosencephaly 13, X-linked. Identifiers: MedGen C5393308, MONDO:0026763, OMIM 301043.

Submissions (3):

Labcorp Genetics (formerly Invitae), Labcorp
Classification: Pathogenic. Last evaluated: 2024-12-16. Review status: criteria provided, single submitter. Criteria: Invitae Variant Classification Sherloc (09022015). Collection method: clinical testing. Allele origin: germline.
Comment: This sequence change creates a premature translational stop signal (p.Arg1012*) in the STAG2 gene. It is expected to result in an absent or disrupted protein product. Loss-of-function variants in STAG2 are known to be pathogenic (PMID: 28296084). This variant is not present in population databases (gnomAD no frequency). This premature translational stop signal has been observed in individual(s) with holoprosencephaly (PMID: 31334757). ClinVar contains an entry for this variant (Variation ID: 864831). For these reasons, this variant has been classified as Pathogenic.

GeneDx
Classification: Pathogenic. Last evaluated: 2022-12-08. Review status: criteria provided, single submitter. Criteria: GeneDx Variant Classification Process June 2021. Collection method: clinical testing. Allele origin: germline. Affected: yes.
Comment: Nonsense variant predicted to result in protein truncation or nonsense mediated decay in a gene for which loss-of-function is a known mechanism of disease; Not observed at significant frequency in large population cohorts (gnomAD); Previously reported as a somatic variant in myelodysplastic syndromes, but has not been reported in the germline, to our knowledge (Kon et al., 2013; Wang et al., 2015); This variant is associated with the following publications: (PMID: 26022708, 23955599, 33014403, 31334757)

OMIM
Classification: Pathogenic for HOLOPROSENCEPHALY 13, X-LINKED. Last evaluated: 2020-04-13. Review status: no assertion criteria provided. Collection method: literature only. Allele origin: germline. Not counted in ClinVar's aggregate classification.

Literature cited by the submitters: PubMed 28296084 (cited by Labcorp Genetics (formerly Invitae), Labcorp); PubMed 31334757 (cited by Labcorp Genetics (formerly Invitae), Labcorp and OMIM).

NM_001042750.2(STAG2):c.3034C>T (p.Arg1012Ter)

Gene: STAG2 (STAG2 cohesin complex component; plus strand). Cytogenetic location: Xq25.
Variant type: single nucleotide variant.
Coding change: c.3034C>T on transcript NM_001042750.2 (MANE Select); coding-DNA position 3034, C replaced by T.
Protein change: p.Arg1012Ter; replaces arginine 1012 with a stop codon.
Molecular consequence: nonsense.
Genome position (GRCh38, 1-based): chrX:124,083,530, C>T. VCF-style: chrX-124083530-C-T. GRCh37 (hg19) VCF-style: chrX-123217380-C-T.
Other names: c.3034C>T, p.Arg1012Ter (NM_001042749.2, NM_001042751.2, NM_001282418.2 and 2 more transcripts); short protein forms R1012*.
Identifiers: ClinVar variation 864831 (VCV000864831.4), dbSNP rs1317614761, ClinGen allele CA414280643.